The following is an entry in ClinVar:

ClinVar aggregate classification (germline): Uncertain significance (1 of 4 stars; one submission).

Allele frequency attached by ClinVar (database versions not stated): TOPMed below 0.00001.

Submission:

Labcorp Genetics (formerly Invitae), Labcorp
Classification: Uncertain significance. Last evaluated: 2022-12-23. Review status: criteria provided, single submitter. Criteria: Invitae Variant Classification Sherloc (09022015). Collection method: clinical testing. Allele origin: germline.
Comment: In summary, the available evidence is currently insufficient to determine the role of this variant in disease. Therefore, it has been classified as a Variant of Uncertain Significance. Algorithms developed to predict the effect of missense changes on protein structure and function are either unavailable or do not agree on the potential impact of this missense change (SIFT: "Deleterious"; PolyPhen-2: "Benign"; Align-GVGD: "Class C15"). This variant has not been reported in the literature in individuals affected with OR2W3-related conditions. This variant is not present in population databases (gnomAD no frequency). This sequence change replaces methionine, which is neutral and non-polar, with valine, which is neutral and non-polar, at codon 258 of the OR2W3 protein (p.Met258Val).

NM_001001957.2(OR2W3):c.772A>G (p.Met258Val)

Gene: OR2W3 (olfactory receptor family 2 subfamily W member 3; plus strand). Cytogenetic location: 1q44.
Variant type: single nucleotide variant.
Coding change: c.772A>G on transcript NM_001001957.2 (MANE Select); coding-DNA position 772, A replaced by G.
Protein change: p.Met258Val; replaces methionine 258 with valine.
Molecular consequence: missense variant.
Genome position (GRCh38, 1-based): chr1:247,896,358, A>G. VCF-style: chr1-247896358-A-G. GRCh37 (hg19) VCF-style: chr1-248059660-A-G.
Other names: short protein forms M258V.
Identifiers: ClinVar variation 2799647 (VCV002799647.3), dbSNP rs1659609846, ClinGen allele CA345596002.